The following is an entry in ClinVar:

ClinVar aggregate classification (germline): Uncertain significance. Review status: criteria provided, multiple submitters, no conflicts (2 of 4 stars). 2 submissions from 2 submitters: Uncertain significance (2). Last evaluated 2025-12-19.

Conditions:
Osteogenesis imperfecta type I (OI1). Also called: Lobstein's Disease; Osteogenesis imperfecta type 1; OI, TYPE I; OSTEOGENESIS IMPERFECTA TARDA; OSTEOGENESIS IMPERFECTA WITH BLUE SCLERAE; Lobstein disease. Identifiers: Orphanet 216796, Orphanet 666, MedGen C0023931, MONDO:0008146, OMIM 166200. Disease mechanism: loss of function.
Ehlers-Danlos syndrome, classic type, 1 (EDSCL1). Also called: Ehlers-Danlos syndrome, type 1; EHLERS-DANLOS SYNDROME, GRAVIS TYPE; EHLERS-DANLOS SYNDROME, SEVERE CLASSIC TYPE; Ehlers-Danlos Syndrome, Classic Type, COL5A1-Related; EDS I. Identifiers: MedGen C0268335, MONDO:0019567, OMIM 130000.

gnomAD v4.1: 51 of 1,614,148 alleles (0.0032%); highest among the groups gnomAD compares: Non-Finnish European, 0.0042%; no homozygotes.

Submissions (2):

Labcorp Genetics (formerly Invitae), Labcorp
Classification: Uncertain significance for Osteogenesis imperfecta type I; Ehlers-Danlos syndrome, classic type, 1. Last evaluated: 2025-12-19. Review status: criteria provided, single submitter. Criteria: Invitae Variant Classification Sherloc (09022015). Collection method: clinical testing. Allele origin: germline.
Comment: This sequence change replaces alanine, which is neutral and non-polar, with proline, which is neutral and non-polar, at codon 279 of the COL1A2 protein (p.Ala279Pro). This variant is present in population databases (rs374616916, gnomAD 0.003%). This variant has not been reported in the literature in individuals affected with COL1A2-related conditions. ClinVar contains an entry for this variant (Variation ID: 955328). Invitae Evidence Modeling of protein sequence and biophysical properties (such as structural, functional, and spatial information, amino acid conservation, physicochemical variation, residue mobility, and thermodynamic stability) indicates that this missense variant is not expected to disrupt COL1A2 protein function with a negative predictive value of 95%. In summary, the available evidence is currently insufficient to determine the role of this variant in disease. Therefore, it has been classified as a Variant of Uncertain Significance.

Blueprint Genetics
Classification: Uncertain significance. Last evaluated: 2019-02-05. Review status: criteria provided, single submitter. Criteria: ACMG Guidelines, 2015. Collection method: clinical testing. Allele origin: germline.

NM_000089.4(COL1A2):c.835G>C (p.Ala279Pro)

Gene: COL1A2 (collagen type I alpha 2 chain; plus strand). Cytogenetic location: 7q21.3.
Variant type: single nucleotide variant.
Coding change: c.835G>C on transcript NM_000089.4 (MANE Select); coding-DNA position 835, G replaced by C.
Protein change: p.Ala279Pro; replaces alanine 279 with proline.
Molecular consequence: missense variant.
Genome position (GRCh38, 1-based): chr7:94,409,364, G>C. VCF-style: chr7-94409364-G-C. GRCh37 (hg19) VCF-style: chr7-94038676-G-C.
Other names: short protein forms A279P.
Identifiers: ClinVar variation 955328 (VCV000955328.12), dbSNP rs374616916, ClinGen allele CA4346844.
Genomic context (GRCh38, chr7:94,409,364, plus strand): 5'-TTTAATTTCCTCTTTTAGGGTGAAATTGGAGCTGTTGGTAACGCTGGTCCTGCTGGTCCC[G>C]CCGGTCCCCGTGGTGAAGTGGGTCTTCCAGGCCTCTCCGGCCCCGTTGGACCTCCTGTAA-3'
Protein context (NP_000080.2, residues 269-289): AVGNAGPAGP[Ala279Pro]GPRGEVGLPG